The following is an entry in ClinVar:

NM_024675.4(PALB2):c.3222G>A (p.Leu1074=)

Gene: PALB2 (partner and localizer of BRCA2; minus strand). Cytogenetic location: 16p12.2.
Variant type: single nucleotide variant.
Coding change: c.3222G>A on transcript NM_024675.4 (MANE Select); coding-DNA position 3222, G replaced by A.
Protein change: p.Leu1074=; no amino-acid change (leucine 1074 retained).
Molecular consequence: synonymous variant. On other transcripts: intron variant (8).
Genome position (GRCh38, 1-based): chr16:23,607,992, C>T on the plus strand (G>A on the coding strand, the complement: PALB2 is on the minus strand). VCF-style: chr16-23607992-C-T. GRCh37 (hg19) VCF-style: chr16-23619313-C-T.
Other names: c.3162G>A, p.Leu1054= (NM_001407296.1); c.3150G>A, p.Leu1050= (NM_001407297.1); c.3060G>A, p.Leu1020= (NM_001407298.1); c.2943G>A, p.Leu981= (NM_001407300.1); c.2337G>A, p.Leu779= (NM_001407304.1, NM_001407305.1, NM_001407306.1); c.2175G>A, p.Leu725= (NM_001407307.1); c.1434G>A, p.Leu478= (NM_001407312.1); c.756G>A, p.Leu252= (NM_001407314.1); and 6 more.
Identifiers: ClinVar variation 5026139 (VCV005026139.1).

ClinVar aggregate classification (germline): Uncertain significance (1 of 4 stars; one submission).

Conditions:
Hereditary cancer-predisposing syndrome. Also called: Neoplastic Syndromes, Hereditary; Tumor predisposition; Hereditary neoplastic syndrome; Hereditary Cancer Syndrome. Identifiers: Orphanet 140162, MedGen C0027672, MeSH D009386, MONDO:0015356.

Submission:

Ambry Genetics
Classification: Uncertain significance for Hereditary cancer-predisposing syndrome. Last evaluated: 2026-09-03. Review status: criteria provided, single submitter. Criteria: Ambry Variant Classification Scheme 2023. Collection method: clinical testing. Allele origin: germline.
Comment: The c.3222G>A variant (also known as p.L1074L), located in coding exon 12 of the PALB2 gene, results from a G to A substitution at nucleotide position 3222. This nucleotide substitution does not change the amino acid at codon 1074. This nucleotide position is well conserved in available vertebrate species. In silico splice site analysis predicts that this alteration may weaken the native splice acceptor site. Based on the available evidence, the clinical significance of this variant remains unclear.